The following is an entry in ClinVar:

NM_032638.5(GATA2):c.538G>T (p.Glu180Ter)

Gene: GATA2 (GATA binding protein 2; minus strand). Cytogenetic location: 3q21.3.
Variant type: single nucleotide variant.
Coding change: c.538G>T on transcript NM_032638.5 (MANE Select); coding-DNA position 538, G replaced by T.
Protein change: p.Glu180Ter; replaces glutamic acid 180 with a stop codon.
Molecular consequence: nonsense.
Genome position (GRCh38, 1-based): chr3:128,486,060, C>A on the plus strand (G>T on the coding strand, the complement: GATA2 is on the minus strand). VCF-style: chr3-128486060-C-A. GRCh37 (hg19) VCF-style: chr3-128204903-C-A.
Other names: c.538G>T, p.Glu180Ter (NM_001145661.2, NM_001145662.1); short protein forms E180*.
Identifiers: ClinVar variation 1184210 (VCV001184210.2), dbSNP rs2107672419, ClinGen allele CA354406560.

ClinVar aggregate classification (germline): Pathogenic. Review status: criteria provided, multiple submitters, no conflicts (2 of 4 stars). 2 submissions from 2 submitters: Pathogenic (2). Last evaluated 2022-10-31.

Conditions:
GATA2-related disorder. Also called: GATA2-Related Disorders; GATA2-related condition.
GATA2 deficiency with susceptibility to MDS/AML. Identifiers: MedGen CN300066, MONDO:0042982.
Deafness-lymphedema-leukemia syndrome. Also called: Lymphedema, primary, with myelodysplasia; Emberger syndrome. Identifiers: Orphanet 3226, MedGen C3279664, MONDO:0013540, OMIM 614038.

Submissions (2):

Blueprint Genetics
Classification: Pathogenic for GATA2-related disorders. Last evaluated: 2022-10-31. Review status: criteria provided, single submitter. Criteria: ACMG Guidelines, 2015. Collection method: clinical testing. Allele origin: germline. Affected: yes. Observed: 1 variant allele.

Molecular Pathology Research Laboratory, SA Pathology
Classification: Pathogenic for GATA2 deficiency with susceptibility to MDS/AML; Deafness-lymphedema-leukemia syndrome. Last evaluated: 2021-07-06. Review status: criteria provided, single submitter. Criteria: ACMG Guidelines, 2015. Collection method: curation. Allele origin: unknown. Inheritance: Autosomal dominant inheritance. Affected: yes. Observed: 1 variant allele.
Comment: PVS1, PS4_Supporting, PM2

Literature cited by the submitters: PubMed 29724903 (cited by Molecular Pathology Research Laboratory, SA Pathology).